The following is an entry in ClinVar:

ClinVar aggregate classification (germline): Uncertain significance (1 of 4 stars; one submission).

Conditions:
Neurofibromatosis, type 2 (SWNV). Also called: BILATERAL ACOUSTIC NEUROFIBROMATOSIS; SCHWANNOMATOSIS, VESTIBULAR; NF2-Related Schwannomatosis. Identifiers: Orphanet 637, MedGen C0027832, MONDO:0007039, OMIM 101000. Disease mechanism: loss of function.

Submission:

Labcorp Genetics (formerly Invitae), Labcorp
Classification: Uncertain significance for Neurofibromatosis, type 2. Last evaluated: 2024-12-26. Review status: criteria provided, single submitter. Criteria: Invitae Variant Classification Sherloc (09022015). Collection method: clinical testing. Allele origin: germline.
Comment: This sequence change replaces aspartic acid, which is acidic and polar, with glycine, which is neutral and non-polar, at codon 85 of the NF2 protein (p.Asp85Gly). This variant is not present in population databases (gnomAD no frequency). This variant has not been reported in the literature in individuals affected with NF2-related conditions. Invitae Evidence Modeling of protein sequence and biophysical properties (such as structural, functional, and spatial information, amino acid conservation, physicochemical variation, residue mobility, and thermodynamic stability) indicates that this missense variant is not expected to disrupt NF2 protein function with a negative predictive value of 80%. In summary, the available evidence is currently insufficient to determine the role of this variant in disease. Therefore, it has been classified as a Variant of Uncertain Significance.

NM_000268.4(NF2):c.254A>G (p.Asp85Gly)

Gene: NF2 (NF2, moesin-ezrin-radixin like (MERLIN) tumor suppressor; plus strand). Cytogenetic location: 22q12.2.
Variant type: single nucleotide variant.
Coding change: c.254A>G on transcript NM_000268.4 (MANE Select); coding-DNA position 254, A replaced by G.
Protein change: p.Asp85Gly; replaces aspartic acid 85 with glycine.
Molecular consequence: missense variant. On other transcripts: intron variant (8), 5 prime UTR variant (1).
Genome position (GRCh38, 1-based): chr22:29,639,103, A>G. VCF-style: chr22-29639103-A-G. GRCh37 (hg19) VCF-style: chr22-30035092-A-G.
Other names: c.140A>G, p.Asp47Gly (NM_001407053.1, NM_001407056.1); c.254A>G, p.Asp85Gly (NM_181832.3, NM_181833.3, NM_001407057.1 and 5 more transcripts); c.240+2227A>G (NM_001407058.1, NM_181829.3, NM_001407054.1 and 1 more transcripts); c.115-3099A>G (NM_001407063.1, NM_181830.3, NM_001407064.1 and 1 more transcripts); c.128A>G, p.Asp43Gly (NM_001407055.1, NM_181828.3); c.-387A>G (NM_001407065.1); c.23A>G, p.Asp8Gly (NM_001407067.1); short protein forms D43G, D47G, D85G, D8G.
Identifiers: ClinVar variation 3708209 (VCV003708209.2).